The following is an entry in ClinVar:

NM_001042545.2(LTBP4):c.1552T>G (p.Cys518Gly)

Gene: LTBP4 (latent transforming growth factor beta binding protein 4; plus strand). Cytogenetic location: 19q13.2.
Variant type: single nucleotide variant.
Coding change: c.1552T>G on transcript NM_001042545.2 (MANE Select); coding-DNA position 1552, T replaced by G.
Protein change: p.Cys518Gly; replaces cysteine 518 with glycine.
Molecular consequence: missense variant.
Genome position (GRCh38, 1-based): chr19:40,609,655, T>G. VCF-style: chr19-40609655-T-G. GRCh37 (hg19) VCF-style: chr19-41115561-T-G.
Other names: c.1753T>G, p.Cys585Gly (NM_001042544.1); c.1642T>G, p.Cys548Gly (NM_003573.2); short protein forms C548G, C585G, C518G.
Identifiers: ClinVar variation 1470012 (VCV001470012.6), dbSNP rs1422482810, ClinGen allele CA405936723.

ClinVar aggregate classification (germline): Uncertain significance (1 of 4 stars; one submission).

gnomAD v4.1: 1 of 1,613,148 alleles (0.000062%); highest among the groups gnomAD compares: Non-Finnish European, 0.000085%; no homozygotes.

Submission:

Labcorp Genetics (formerly Invitae), Labcorp
Classification: Uncertain significance. Last evaluated: 2021-09-06. Review status: criteria provided, single submitter. Criteria: Invitae Variant Classification Sherloc (09022015). Collection method: clinical testing. Allele origin: germline.
Comment: In summary, the available evidence is currently insufficient to determine the role of this variant in disease. Therefore, it has been classified as a Variant of Uncertain Significance. Experimental studies and prediction algorithms are not available or were not evaluated, and the functional significance of this variant is currently unknown. This variant has not been reported in the literature in individuals affected with LTBP4-related conditions. This variant is not present in population databases (ExAC no frequency). This sequence change replaces cysteine with glycine at codon 548 of the LTBP4 protein (p.Cys548Gly). The cysteine residue is highly conserved and there is a large physicochemical difference between cysteine and glycine.